The following is an entry in ClinVar:

NM_006206.6(PDGFRA):c.1719T>G (p.Ile573Met)

Gene: PDGFRA (platelet derived growth factor receptor alpha; plus strand). Cytogenetic location: 4q12.
Variant type: single nucleotide variant.
Coding change: c.1719T>G on transcript NM_006206.6 (MANE Select); coding-DNA position 1719, T replaced by G.
Protein change: p.Ile573Met; replaces isoleucine 573 with methionine.
Molecular consequence: missense variant.
Genome position (GRCh38, 1-based): chr4:54,274,906, T>G. VCF-style: chr4-54274906-T-G. GRCh37 (hg19) VCF-style: chr4-55141073-T-G.
Other names: c.1719T>G, p.Ile573Met (NM_001347827.2, NM_001347829.2); c.1794T>G, p.Ile598Met (NM_001347828.2); c.1758T>G, p.Ile586Met (NM_001347830.2); short protein forms I573M, I586M, I598M.
Identifiers: ClinVar variation 3225267 (VCV003225267.1), dbSNP rs1723636360, ClinGen allele CA356893162.

ClinVar aggregate classification (germline): Uncertain significance (1 of 4 stars; one submission).

Conditions:
Hereditary cancer-predisposing syndrome. Also called: Neoplastic Syndromes, Hereditary; Tumor predisposition; Hereditary neoplastic syndrome; Hereditary Cancer Syndrome. Identifiers: Orphanet 140162, MedGen C0027672, MeSH D009386, MONDO:0015356.

Submission:

Ambry Genetics
Classification: Uncertain significance for Hereditary cancer-predisposing syndrome. Last evaluated: 2023-12-07. Review status: criteria provided, single submitter. Criteria: Ambry Variant Classification Scheme 2023. Collection method: clinical testing. Allele origin: germline.
Comment: The p.I573M variant (also known as c.1719T>G), located in coding exon 11 of the PDGFRA gene, results from a T to G substitution at nucleotide position 1719. The isoleucine at codon 573 is replaced by methionine, an amino acid with highly similar properties. This amino acid position is highly conserved in available vertebrate species. In addition, this alteration is predicted to be deleterious by in silico analysis. Since supporting evidence is limited at this time, the clinical significance of this alteration remains unclear.